The following is an entry in ClinVar:

ClinVar aggregate classification (germline): Uncertain significance. Review status: criteria provided, multiple submitters, no conflicts (2 of 4 stars). 2 submissions from 2 submitters: Uncertain significance (2). Last evaluated 2025-04-14.

Conditions:
Capillary malformation-arteriovenous malformation syndrome. Also called: Capillary malformation-arteriovenous malformation. Identifiers: Orphanet 137667, MedGen C1842180, MONDO:0012016.
Cardiovascular phenotype. Identifiers: MedGen CN230736.

Allele frequency attached by ClinVar (database versions not stated): gnomAD exomes below 0.00001 and 0.00001; TOPMed 0.00002; ExAC 0.00001.
gnomAD v4.1: 4 of 1,612,164 alleles (0.00025%); highest among the groups gnomAD compares: Middle Eastern, 0.016%; no homozygotes.

Submissions (2):

Ambry Genetics
Classification: Uncertain significance for Cardiovascular phenotype. Last evaluated: 2025-04-14. Review status: criteria provided, single submitter. Criteria: Ambry Variant Classification Scheme 2023. Collection method: clinical testing. Allele origin: germline.
Comment: The p.I331T variant (also known as c.992T>C), located in coding exon 5 of the RASA1 gene, results from a T to C substitution at nucleotide position 992. The isoleucine at codon 331 is replaced by threonine, an amino acid with similar properties. This amino acid position is conserved. In addition, this alteration is predicted to be deleterious by in silico analysis. Based on the available evidence, the clinical significance of this variant remains unclear.

Labcorp Genetics (formerly Invitae), Labcorp
Classification: Uncertain significance for Capillary malformation-arteriovenous malformation syndrome. Last evaluated: 2021-07-16. Review status: criteria provided, single submitter. Criteria: Invitae Variant Classification Sherloc (09022015). Collection method: clinical testing. Allele origin: germline.
Comment: In summary, the available evidence is currently insufficient to determine the role of this variant in disease. Therefore, it has been classified as a Variant of Uncertain Significance. Algorithms developed to predict the effect of missense changes on protein structure and function are either unavailable or do not agree on the potential impact of this missense change (SIFT: "Deleterious"; PolyPhen-2: "Benign"; Align-GVGD: "Class C0"). This variant has not been reported in the literature in individuals affected with RASA1-related conditions. This variant is present in population databases (rs756457101, ExAC 0.002%). This sequence change replaces isoleucine with threonine at codon 331 of the RASA1 protein (p.Ile331Thr). The isoleucine residue is highly conserved and there is a moderate physicochemical difference between isoleucine and threonine.

NM_002890.3(RASA1):c.992T>C (p.Ile331Thr)

Genes: CCNH (cyclin H; minus strand), RASA1 (RAS p21 protein activator 1; plus strand). Cytogenetic location: 5q14.3.
Variant type: single nucleotide variant.
Coding change: c.992T>C on transcript NM_002890.3 (MANE Select); coding-DNA position 992, T replaced by C.
Protein change: p.Ile331Thr; replaces isoleucine 331 with threonine.
Molecular consequence: missense variant. On other transcripts: intron variant (1).
Genome position (GRCh38, 1-based): chr5:87,338,066, T>C. VCF-style: chr5-87338066-T-C. GRCh37 (hg19) VCF-style: chr5-86633883-T-C.
Other names: c.461T>C, p.Ile154Thr (NM_022650.3); c.934-25271A>G (NM_001364075.2); short protein forms I154T, I331T.
Identifiers: ClinVar variation 1402818 (VCV001402818.47), dbSNP rs756457101, ClinGen allele CA3335610.